The following is an entry in ClinVar:

ClinVar aggregate classification (germline): Uncertain significance (1 of 4 stars; one submission).

Conditions:
Inborn genetic diseases. Identifiers: MedGen C0950123, MeSH D030342.

Submission:

Ambry Genetics
Classification: Uncertain significance for Inborn genetic diseases. Last evaluated: 2026-07-06. Review status: criteria provided, single submitter. Criteria: Ambry Variant Classification Scheme 2023. Collection method: clinical testing. Allele origin: germline.
Comment: The p.S201I variant (also known as c.602G>T), located in coding exon 2 of the GATA2 gene, results from a G to T substitution at nucleotide position 602. The serine at codon 201 is replaced by isoleucine, an amino acid with dissimilar properties. This amino acid position is conserved. In addition, the in silico prediction for this alteration is inconclusive. Based on the available evidence, the clinical significance of this variant remains unclear.

NM_032638.5(GATA2):c.602G>T (p.Ser201Ile)

Gene: GATA2 (GATA binding protein 2; minus strand). Cytogenetic location: 3q21.3.
Variant type: single nucleotide variant.
Coding change: c.602G>T on transcript NM_032638.5 (MANE Select); coding-DNA position 602, G replaced by T.
Protein change: p.Ser201Ile; replaces serine 201 with isoleucine.
Molecular consequence: missense variant.
Genome position (GRCh38, 1-based): chr3:128,485,996, C>A on the plus strand (G>T on the coding strand, the complement: GATA2 is on the minus strand). VCF-style: chr3-128485996-C-A. GRCh37 (hg19) VCF-style: chr3-128204839-C-A.
Other names: c.602G>T, p.Ser201Ile (NM_001145661.2, NM_001145662.1); short protein forms S201I.
Identifiers: ClinVar variation 5022192 (VCV005022192.1).